The following is an entry in ClinVar:

NM_001365276.2(TNXB):c.958C>T (p.Arg320Cys)

Gene: TNXB (tenascin XB; minus strand). Cytogenetic location: 6p21.33.
Variant type: single nucleotide variant.
Coding change: c.958C>T on transcript NM_001365276.2 (MANE Select); coding-DNA position 958, C replaced by T.
Protein change: p.Arg320Cys; replaces arginine 320 with cysteine.
Molecular consequence: missense variant.
Genome position (GRCh38, 1-based): chr6:32,096,895, G>A on the plus strand (C>T on the coding strand, the complement: TNXB is on the minus strand). VCF-style: chr6-32096895-G-A. GRCh37 (hg19) VCF-style: chr6-32064672-G-A.
Other names: c.958C>T, p.Arg320Cys (NM_019105.8); short protein forms R320C.
Identifiers: ClinVar variation 1712646 (VCV001712646.2), dbSNP rs1160328418, ClinGen allele CA363484537.

ClinVar aggregate classification (germline): Uncertain significance (1 of 4 stars; one submission).

Allele frequency attached by ClinVar (database versions not stated): gnomAD exomes below 0.00001.
gnomAD v4.1: 3 of 1,609,360 alleles (0.00019%); highest among the groups gnomAD compares: South Asian, 0.0011%; no homozygotes.

Submission:

GeneDx
Classification: Uncertain significance. Last evaluated: 2022-04-26. Review status: criteria provided, single submitter. Criteria: GeneDx Variant Classification Process June 2021. Collection method: clinical testing. Allele origin: germline. Affected: yes.
Comment: Not observed at significant frequency in large population cohorts (gnomAD); In silico analysis supports that this missense variant has a deleterious effect on protein structure/function; Has not been previously published as pathogenic or benign to our knowledge